The following is an entry in ClinVar:

ClinVar aggregate classification (germline): Pathogenic (1 of 4 stars; one submission).

gnomAD v4.1: 2 of 1,613,808 alleles (0.00012%); highest among the groups gnomAD compares: Non-Finnish European, 0.00017%; no homozygotes.

Submission:

Labcorp Genetics (formerly Invitae), Labcorp
Classification: Pathogenic. Last evaluated: 2023-12-12. Review status: criteria provided, single submitter. Criteria: Invitae Variant Classification Sherloc (09022015). Collection method: clinical testing. Allele origin: germline.
Comment: This sequence change creates a premature translational stop signal (p.Tyr159*) in the ADAMTSL4 gene. It is expected to result in an absent or disrupted protein product. Loss-of-function variants in ADAMTSL4 are known to be pathogenic (PMID: 20564469, 28642162). This variant is present in population databases (rs376791448, gnomAD 0.002%). This variant has not been reported in the literature in individuals affected with ADAMTSL4-related conditions. ClinVar contains an entry for this variant (Variation ID: 1910447). For these reasons, this variant has been classified as Pathogenic.

Literature cited by the submitters: PubMed 20564469; PubMed 28642162.

NM_019032.6(ADAMTSL4):c.477T>A (p.Tyr159Ter)

Genes: ADAMTSL4 (ADAMTS like 4; plus strand), ADAMTSL4-AS2 (ADAMTSL4 antisense RNA 2; minus strand). Cytogenetic location: 1q21.2.
Variant type: single nucleotide variant.
Coding change: c.477T>A on transcript NM_019032.6 (MANE Select); coding-DNA position 477, T replaced by A.
Protein change: p.Tyr159Ter; replaces tyrosine 159 with a stop codon.
Molecular consequence: nonsense.
Genome position (GRCh38, 1-based): chr1:150,553,468, T>A. VCF-style: chr1-150553468-T-A. GRCh37 (hg19) VCF-style: chr1-150525944-T-A.
Other names: c.477T>A, p.Tyr159Ter (NM_001288607.2, NM_001288608.2, NM_001378596.1 and 1 more transcripts); short protein forms Y159*.
Identifiers: ClinVar variation 1910447 (VCV001910447.5), dbSNP rs376791448, ClinGen allele CA1077969.
Genomic context (GRCh38, chr1:150,553,468, plus strand): 5'-TCTGAAACACCTTCTCAGGTCCCGGCTTCGAGACCCCATCAAGCCAGGAATGTTCGGTTA[T>A]GGGAGAGTGCCCTTTGCATTGCCACTGCACCGGAACCGCAGGCACCCTCGGAGCCCACCC-3'